The following is an entry in ClinVar:

NM_000535.7(PMS2):c.2225dup (p.Asn742fs)

Gene: PMS2 (PMS1 homolog 2, mismatch repair system component; minus strand). Cytogenetic location: 7p22.1.
Variant type: Duplication.
Coding change: c.2225dup on transcript NM_000535.7 (MANE Select); coding-DNA position 2225, one base duplicated (A; older notation c.2225dupA).
Protein change: p.Asn742fs; shifts the reading frame from asparagine 742.
Molecular consequence: frameshift variant. On other transcripts: non-coding transcript variant (1), intron variant (2).
Genome position (GRCh38, 1-based): chr7:5,978,646, T duplicated on the plus strand (A on the coding strand, the reverse complement: PMS2 is on the minus strand); the first of 4 consecutive T bases (chr7:5,978,646-5,978,649); duplicating any one gives the same sequence. VCF-style (leftmost placement, unchanged base first): chr7-5978645-A-AT. GRCh37 (hg19) VCF-style: chr7-6018276-A-AT.
Other names: c.1820dup, p.Asn607fs (NM_001406895.1, NM_001406896.1, NM_001406897.1 and 14 more transcripts); c.1739dup, p.Asn580fs (NM_001406903.1); c.1751dup, p.Asn584fs (NM_001406901.1, NM_001406902.1); c.1712dup, p.Asn571fs (NM_001406904.1, NM_001406905.1); c.1760dup, p.Asn587fs (NM_001406900.1); c.2069dup, p.Asn690fs (NM_001322006.2, NM_001406870.1); c.1907dup, p.Asn636fs (NM_001322007.2, NM_001322008.2, NM_001406876.1 and 1 more transcripts); c.1664dup, p.Asn555fs (NM_001322010.2, NM_001406906.1, NM_001406907.1); and 18 more; short protein forms N431fs, N587fs, N607fs, N620fs, N634fs, N686fs, N750fs, N341fs.
Identifiers: ClinVar variation 2451581 (VCV002451581.2), dbSNP rs2535393241, ClinGen allele CA2580076824.

ClinVar aggregate classification (germline): Pathogenic (1 of 4 stars; one submission).

Conditions:
Hereditary cancer-predisposing syndrome. Also called: Neoplastic Syndromes, Hereditary; Tumor predisposition; Hereditary neoplastic syndrome; Hereditary Cancer Syndrome. Identifiers: Orphanet 140162, MedGen C0027672, MeSH D009386, MONDO:0015356.

Submission:

Ambry Genetics
Classification: Pathogenic for Hereditary cancer-predisposing syndrome. Last evaluated: 2022-12-02. Review status: criteria provided, single submitter. Criteria: Ambry Variant Classification Scheme 2023. Collection method: clinical testing. Allele origin: germline.
Comment: The c.2225dupA pathogenic mutation, located in coding exon 13 of the PMS2 gene, results from a duplication of A at nucleotide position 2225, causing a translational frameshift with a predicted alternate stop codon (p.N742Kfs*6). This alteration is expected to result in loss of function by premature protein truncation or nonsense-mediated mRNA decay. As such, this alteration is interpreted as a disease-causing mutation.